The following is an entry in ClinVar:

ClinVar aggregate classification (germline): Conflicting classifications of pathogenicity. Review status: criteria provided, conflicting classifications (1 of 4 stars). 4 submissions from 4 submitters: Uncertain significance (3); Likely benign (1). Last evaluated 2026-06-16.

Conditions:
Cardiovascular phenotype. Identifiers: MedGen CN230736.
TTN-related disorder. Also called: TTN-related condition; TTN-related disease; TTN-related disorders.
Dilated cardiomyopathy 1G (CMD1G). Identifiers: Orphanet 154, MedGen C1858763, MONDO:0011400, OMIM 604145.
Autosomal recessive limb-girdle muscular dystrophy type 2J (LGMDR10). Also called: Limb-girdle muscular dystrophy, type 2J; MUSCULAR DYSTROPHY, LIMB-GIRDLE, AUTOSOMAL RECESSIVE 10. Identifiers: Orphanet 140922, MedGen C1837342, MONDO:0012127, OMIM 608807.

Allele frequency attached by ClinVar (database versions not stated): gnomAD exomes 0.00001; ExAC 0.00003; TOPMed 0.00010; gnomAD 0.00011; 1000 Genomes Project 30x 0.00031; 1000 Genomes Project 0.00040.
gnomAD v4.1: 28 of 1,614,136 alleles (0.0017%); highest among the groups gnomAD compares: African/African-American, 0.035%; no homozygotes.

Submissions (4):

PreventionGenetics, part of Exact Sciences
Classification: Uncertain significance for TTN-related condition. Last evaluated: 2026-06-16. Review status: criteria provided, single submitter. Criteria: ACMG Guidelines, 2015. Collection method: clinical testing. Allele origin: germline.
Comment: The TTN c.9811T>G variant is predicted to result in the amino acid substitution p.Ser3271Ala. To our knowledge, this variant has not been reported in the literature. This variant is reported in 0.040% of alleles in individuals of African descent in gnomAD. At this time, the clinical significance of this variant is uncertain due to the absence of conclusive functional and genetic evidence.

Ambry Genetics
Classification: Uncertain significance for Cardiovascular phenotype. Last evaluated: 2020-02-27. Review status: criteria provided, single submitter. Criteria: Ambry Variant Classification Scheme 2023. Collection method: clinical testing. Allele origin: germline.
Comment: The p.S3225A variant (also known as c.9673T>G), located in coding exon 40 of the TTN gene, results from a T to G substitution at nucleotide position 9673. The serine at codon 3225 is replaced by alanine, an amino acid with similar properties. This amino acid position is not well conserved in available vertebrate species, and alanine is the reference amino acid in other vertebrate species. In addition, this alteration is predicted to be tolerated by in silico analysis. Since supporting evidence is limited at this time, the clinical significance of this alteration remains unclear.

Labcorp Genetics (formerly Invitae), Labcorp
Classification: Uncertain significance for Dilated cardiomyopathy 1G; Autosomal recessive limb-girdle muscular dystrophy type 2J. Last evaluated: 2017-10-27. Review status: criteria provided, single submitter. Criteria: Invitae Variant Classification Sherloc (09022015). Collection method: clinical testing. Allele origin: germline.

Laboratory for Molecular Medicine, Mass General Brigham Personalized Medicine
Classification: Likely benign. Last evaluated: 2014-06-05. Review status: criteria provided, single submitter. Criteria: LMM Criteria. Collection method: clinical testing. Allele origin: germline. Observed: 1 variant allele.
Comment: Ser3271Ala in exon 42 of TTN: This variant is not expected to have clinical sign ificance due to a lack of conservation across species. Of note, several mammalia n species (walrus, seal, hedgehog, and frog) have an alanine (Ala) at this posit ion despite high nearby amino acid conservation, strongly suggesting that this c hange is tolerated.

NM_001267550.2(TTN):c.9811T>G (p.Ser3271Ala)

Gene: TTN (titin; minus strand). Cytogenetic location: 2q31.2.
Variant type: single nucleotide variant.
Coding change: c.9811T>G on transcript NM_001267550.2 (MANE Select); coding-DNA position 9811, T replaced by G.
Protein change: p.Ser3271Ala; replaces serine 3271 with alanine.
Molecular consequence: missense variant.
Genome position (GRCh38, 1-based): chr2:178,764,704, A>C on the plus strand (T>G on the coding strand, the complement: TTN is on the minus strand). VCF-style: chr2-178764704-A-C. GRCh37 (hg19) VCF-style: chr2-179629431-A-C.
Other names: c.9811T>G, p.Ser3271Ala (NM_133378.4, NM_001256850.1, NM_133379.5); c.9673T>G, p.Ser3225Ala (NM_003319.4, NM_133432.3, NM_133437.4); short protein forms S3271A, S3225A.
Identifiers: ClinVar variation 166296 (VCV000166296.10), dbSNP rs556720151, ClinGen allele CA179212.